The following is an entry in ClinVar:

ClinVar aggregate classification (germline): Pathogenic (1 of 4 stars; one submission).

Conditions:
Primary ciliary dyskinesia. Also called: Ciliary dyskinesia. Identifiers: Orphanet 244, MedGen C0008780, MONDO:0016575, HP:0012265.

Submission:

Labcorp Genetics (formerly Invitae), Labcorp
Classification: Pathogenic for Primary ciliary dyskinesia. Last evaluated: 2023-09-15. Review status: criteria provided, single submitter. Criteria: Invitae Variant Classification Sherloc (09022015). Collection method: clinical testing. Allele origin: germline.
Comment: This sequence change creates a premature translational stop signal (p.Tyr381_Ile383delinsThrGluMet*) in the DNAH5 gene. It is expected to result in an absent or disrupted protein product. Loss-of-function variants in DNAH5 are known to be pathogenic (PMID: 11788826, 16627867). This variant is not present in population databases (gnomAD no frequency). This variant has not been reported in the literature in individuals affected with DNAH5-related conditions. For these reasons, this variant has been classified as Pathogenic.

Literature cited by the submitters: PubMed 11788826; PubMed 16627867.

NM_001369.3(DNAH5):c.1141_1147delinsACAGAGATGTGATCTTCTCAGAGGTATTATAGTAATGAGAGATACT (p.Tyr381_Ile383delinsThrGluMetTer)

Gene: DNAH5 (dynein axonemal heavy chain 5; minus strand). Cytogenetic location: 5p15.2.
Variant type: Indel.
Coding change: c.1141_1147delinsACAGAGATGTGATCTTCTCAGAGGTATTATAGTAATGAGAGATACT on transcript NM_001369.3 (MANE Select); coding-DNA positions 1141 to 1147, the reference bases replaced by an inserted sequence.
Protein change: p.Tyr381_Ile383delinsThrGluMetTer.
Molecular consequence: nonsense.
Genome position (GRCh38, 1-based): chr5:13,916,398-13,916,404, 7 bases replaced. GRCh37 (hg19): chr5:13,916,507-13,916,513.
Identifiers: ClinVar variation 2760877 (VCV002760877.3), dbSNP rs2547135179, ClinGen allele CA2697547050.